The following is an entry in ClinVar:

NM_005228.5(EGFR):c.2166G>T (p.Ala722=)

Gene: EGFR (epidermal growth factor receptor; plus strand). Cytogenetic location: 7p11.2.
Variant type: single nucleotide variant.
Coding change: c.2166G>T on transcript NM_005228.5 (MANE Select); coding-DNA position 2166, G replaced by T.
Protein change: p.Ala722=; no amino-acid change (alanine 722 retained).
Molecular consequence: synonymous variant.
Genome position (GRCh38, 1-based): chr7:55,174,025, G>T. VCF-style: chr7-55174025-G-T. GRCh37 (hg19) VCF-style: chr7-55241718-G-T.
Other names: c.2031G>T, p.Ala677= (NM_001346897.2, NM_001346899.2); c.2166G>T, p.Ala722= (NM_001346898.2); c.2007G>T, p.Ala669= (NM_001346900.2); c.1365G>T, p.Ala455= (NM_001346941.2).
Identifiers: ClinVar variation 2796292 (VCV002796292.9), dbSNP rs367694667, ClinGen allele CA454979179.

ClinVar aggregate classification (germline): Likely benign. Review status: criteria provided, multiple submitters, no conflicts (2 of 4 stars). 2 submissions from 2 submitters: Likely benign (2). Last evaluated 2025-12-01.

Conditions:
EGFR-related lung cancer (EGFR). Identifiers: MedGen CN130014.

Submissions (2):

CeGaT Center for Human Genetics Tuebingen
Classification: Likely benign. Last evaluated: 2025-12-01. Review status: criteria provided, single submitter. Criteria: CeGaT Center For Human Genetics Tuebingen Variant Classification Criteria Version 2. Collection method: clinical testing. Allele origin: germline. Affected: yes. Observed: 1 variant allele.
Comment: EGFR: PM2:Supporting, BP4, BP7

Labcorp Genetics (formerly Invitae), Labcorp
Classification: Likely benign for EGFR-related lung cancer. Last evaluated: 2023-05-10. Review status: criteria provided, single submitter. Criteria: Invitae Variant Classification Sherloc (09022015). Collection method: clinical testing. Allele origin: germline.